The following is an entry in ClinVar:

ClinVar aggregate classification (germline): Uncertain significance (1 of 4 stars; one submission).

Conditions:
Familial thoracic aortic aneurysm and aortic dissection (TAAD). Also called: Thoracic aortic aneurysms and dissections. Identifiers: Orphanet 91387, MedGen C4707243, MONDO:0019625.

Submission:

All of Us Research Program, National Institutes of Health
Classification: Uncertain significance for Familial thoracic aortic aneurysm and aortic dissection. Last evaluated: 2024-01-11. Review status: criteria provided, single submitter. Criteria: ACMG Guidelines, 2015. Collection method: clinical testing. Allele origin: germline. Inheritance: Autosomal dominant inheritance. Observed: 1 variant allele, 1 heterozygote.
Comment: This study involves interpretation of variants in research participants for the purpose of population health screening. Participant phenotype was not available at the time of variant classification. Additional details can be found in publication PMID: 35346344, PMCID: PMC8962531

NM_002474.3(MYH11):c.4597T>C (p.Ser1533Pro)

Genes: NDE1 (nudE neurodevelopment protein 1; plus strand), MYH11 (myosin heavy chain 11; minus strand). Cytogenetic location: 16p13.11.
Variant type: single nucleotide variant.
Coding change: c.4597T>C on transcript NM_002474.3 (MANE Select); coding-DNA position 4597, T replaced by C.
Protein change: p.Ser1533Pro; replaces serine 1533 with proline.
Molecular consequence: missense variant. On other transcripts: intron variant (2).
Genome position (GRCh38, 1-based): chr16:15,721,033, A>G on the plus strand (T>C on the coding strand, the complement: MYH11 is on the minus strand). VCF-style: chr16-15721033-A-G. GRCh37 (hg19) VCF-style: chr16-15814890-A-G.
Other names: c.948-3158A>G (NM_001143979.2, NM_017668.3); c.4618T>C, p.Ser1540Pro (NM_001040113.2, NM_001040114.2); c.4597T>C, p.Ser1533Pro (NM_022844.3); short protein forms S1533P, S1540P.
Identifiers: ClinVar variation 3074997 (VCV003074997.1), dbSNP rs2506121533, ClinGen allele CA394854603.